The following is an entry in ClinVar:

NM_001457.4(FLNB):c.151A>G (p.Ile51Val)

Gene: FLNB (filamin B; plus strand). Cytogenetic location: 3p14.3.
Variant type: single nucleotide variant.
Coding change: c.151A>G on transcript NM_001457.4 (MANE Select); coding-DNA position 151, A replaced by G.
Protein change: p.Ile51Val; replaces isoleucine 51 with valine.
Molecular consequence: missense variant.
Genome position (GRCh38, 1-based): chr3:58,008,715, A>G. VCF-style: chr3-58008715-A-G. GRCh37 (hg19) VCF-style: chr3-57994442-A-G.
Other names: c.151A>G, p.Ile51Val (NM_001164317.2, NM_001164318.2, NM_001164319.2); short protein forms I51V.
Identifiers: ClinVar variation 2971136 (VCV002971136.3), dbSNP rs1260817076, ClinGen allele CA353413101.

ClinVar aggregate classification (germline): Uncertain significance (1 of 4 stars; one submission).

Allele frequency attached by ClinVar (database versions not stated): gnomAD exomes below 0.00001.
gnomAD v4.1: 4 of 1,614,174 alleles (0.00025%); highest among the groups gnomAD compares: Non-Finnish European, 0.00034%; no homozygotes.

Submission:

Labcorp Genetics (formerly Invitae), Labcorp
Classification: Uncertain significance. Last evaluated: 2023-09-17. Review status: criteria provided, single submitter. Criteria: Invitae Variant Classification Sherloc (09022015). Collection method: clinical testing. Allele origin: germline.
Comment: In summary, the available evidence is currently insufficient to determine the role of this variant in disease. Therefore, it has been classified as a Variant of Uncertain Significance. Advanced modeling of protein sequence and biophysical properties (such as structural, functional, and spatial information, amino acid conservation, physicochemical variation, residue mobility, and thermodynamic stability) performed at Invitae indicates that this missense variant is not expected to disrupt FLNB protein function. This variant has not been reported in the literature in individuals affected with FLNB-related conditions. This variant is not present in population databases (gnomAD no frequency). This sequence change replaces isoleucine, which is neutral and non-polar, with valine, which is neutral and non-polar, at codon 51 of the FLNB protein (p.Ile51Val).